The following is an entry in ClinVar:

NM_001367943.1(TCF7L2):c.1653G>A (p.Pro551=)

Gene: TCF7L2 (transcription factor 7 like 2; plus strand). Cytogenetic location: 10q25.3.
Variant type: single nucleotide variant.
Coding change: c.1653G>A on transcript NM_001367943.1 (MANE Select); coding-DNA position 1653, G replaced by A.
Protein change: p.Pro551=; no amino-acid change (proline 551 retained).
Molecular consequence: synonymous variant. On other transcripts: 3 prime UTR variant (12).
Genome position (GRCh38, 1-based): chr10:113,165,765, G>A. VCF-style: chr10-113165765-G-A. GRCh37 (hg19) VCF-style: chr10-114925524-G-A.
Other names: c.1533G>A, p.Pro511= (NM_001198526.2, NM_001146285.2); c.*229G>A (NM_001198527.2, NM_001198528.2, NM_001349870.2 and 1 more transcripts); c.1602G>A, p.Pro534= (NM_001146274.2); c.*131G>A (NM_001146283.2, NM_001146284.2, NM_001146286.2 and 4 more transcripts); c.*241G>A (NM_001198525.2); c.1584G>A, p.Pro528= (NM_030756.5); c.1584G>A (NM_030756.4).
Identifiers: ClinVar variation 2640844 (VCV002640844.25), dbSNP rs1173115336, ClinGen allele CA471508678.

ClinVar aggregate classification (germline): Likely benign. Review status: criteria provided, single submitter (1 of 4 stars). 2 submissions from 2 submitters: Likely benign (1). 1 of the submissions does not count toward it. Last evaluated 2023-09-01.

Conditions:
TCF7L2-related disorder. Also called: TCF7L2-related condition.

Allele frequency attached by ClinVar (database versions not stated): gnomAD 0.00001.
gnomAD v4.1: 15 of 1,606,104 alleles (0.00093%); highest among the groups gnomAD compares: Non-Finnish European, 0.0012%; no homozygotes.

Submissions (2):

CeGaT Center for Human Genetics Tuebingen
Classification: Likely benign. Last evaluated: 2023-09-01. Review status: criteria provided, single submitter. Criteria: CeGaT Center For Human Genetics Tuebingen Variant Classification Criteria Version 2. Collection method: clinical testing. Allele origin: germline. Affected: yes. Observed: 1 variant allele.
Comment: TCF7L2: BP4, BP7

PreventionGenetics, part of Exact Sciences
Classification: Likely benign for TCF7L2-related condition. Last evaluated: 2020-02-14. Review status: no assertion criteria provided. Collection method: clinical testing. Allele origin: germline. Not counted in ClinVar's aggregate classification.
Comment: This variant is classified as likely benign based on ACMG/AMP sequence variant interpretation guidelines (Richards et al. 2015 PMID: 25741868, with internal and published modifications).